The following is an entry in ClinVar:

ClinVar aggregate classification (germline): Uncertain significance. Review status: criteria provided, multiple submitters, no conflicts (2 of 4 stars). 2 submissions from 2 submitters: Uncertain significance (2). Last evaluated 2026-04-30.

Conditions:
Deficiency of butyryl-CoA dehydrogenase (ACADSD). Also called: SCAD DEFICIENCY, MILD; ACYL-CoA DEHYDROGENASE, SHORT-CHAIN, DEFICIENCY OF; SCAD Deficiency; ACADS DEFICIENCY; SCADH DEFICIENCY; Short-Chain Acyl-CoA Dehydrogenase Deficiency. Identifiers: Orphanet 26792, MedGen C0342783, MONDO:0008722, OMIM 201470. Disease mechanism: May be benign.
ACADS-related disorder. Also called: ACADS-related condition.

Allele frequency attached by ClinVar (database versions not stated): gnomAD exomes 0.00002; ExAC 0.00003.
gnomAD v4.1: 11 of 1,611,456 alleles (0.00068%); highest among the groups gnomAD compares: South Asian, 0.012%; no homozygotes.

Submissions (2):

PreventionGenetics, part of Exact Sciences
Classification: Uncertain significance for ACADS-related condition. Last evaluated: 2026-04-30. Review status: criteria provided, single submitter. Criteria: ACMG Guidelines, 2015. Collection method: clinical testing. Allele origin: germline.
Comment: The ACADS c.778G>T variant is predicted to result in the amino acid substitution p.Gly260Cys. This variant has been reported in the homozygous state and as a variant of uncertain significance in an individual with epilepsy (Table S6, Ganapathy et al. 2019. PubMed ID: 31069529). This variant is reported in 0.016% of alleles in individuals of South Asian descent in gnomAD. At this time, the clinical significance of this variant is uncertain due to the absence of conclusive functional and genetic evidence.

Labcorp Genetics (formerly Invitae), Labcorp
Classification: Uncertain significance for Deficiency of butyryl-CoA dehydrogenase. Last evaluated: 2020-11-17. Review status: criteria provided, single submitter. Criteria: Invitae Variant Classification Sherloc (09022015). Collection method: clinical testing. Allele origin: germline.
Comment: In summary, the available evidence is currently insufficient to determine the role of this variant in disease. Therefore, it has been classified as a Variant of Uncertain Significance. Advanced modeling of protein sequence and biophysical properties (such as structural, functional, and spatial information, amino acid conservation, physicochemical variation, residue mobility, and thermodynamic stability) performed at Invitae indicates that this missense variant is expected to disrupt ACADS protein function. This sequence change replaces glycine with cysteine at codon 260 of the ACADS protein (p.Gly260Cys). The glycine residue is highly conserved and there is a large physicochemical difference between glycine and cysteine. This variant is present in population databases (rs759856061, ExAC 0.02%). This variant has not been reported in the literature in individuals with ACADS-related conditions.

NM_000017.4(ACADS):c.778G>T (p.Gly260Cys)

Gene: ACADS (acyl-CoA dehydrogenase short chain; plus strand). Cytogenetic location: 12q24.31.
Variant type: single nucleotide variant.
Coding change: c.778G>T on transcript NM_000017.4 (MANE Select); coding-DNA position 778, G replaced by T.
Protein change: p.Gly260Cys; replaces glycine 260 with cysteine.
Molecular consequence: missense variant.
Genome position (GRCh38, 1-based): chr12:120,738,433, G>T. VCF-style: chr12-120738433-G-T. GRCh37 (hg19) VCF-style: chr12-121176236-G-T.
Other names: c.766G>T, p.Gly256Cys (NM_001302554.2); c.778G>T (NM_000017.3); short protein forms G260C, G256C.
Identifiers: ClinVar variation 1517566 (VCV001517566.9), dbSNP rs759856061, ClinGen allele CA6831051.